The following is an entry in ClinVar:

NM_001370259.2(MEN1):c.1390G>C (p.Ala464Pro)

Gene: MEN1 (menin 1; minus strand). Cytogenetic location: 11q13.1.
Variant type: single nucleotide variant.
Coding change: c.1390G>C on transcript NM_001370259.2 (MANE Select); coding-DNA position 1390, G replaced by C.
Protein change: p.Ala464Pro; replaces alanine 464 with proline.
Molecular consequence: missense variant.
Genome position (GRCh38, 1-based): chr11:64,804,777, C>G on the plus strand (G>C on the coding strand, the complement: MEN1 is on the minus strand). VCF-style: chr11-64804777-C-G. GRCh37 (hg19) VCF-style: chr11-64572249-C-G.
Other names: c.1390G>C (NM_130799.2); c.1405G>C, p.Ala469Pro (NM_000244.4, NM_130800.3, NM_130801.3 and 3 more transcripts); c.1516G>C, p.Ala506Pro (NM_001370251.2); c.1390G>C, p.Ala464Pro (NM_001370260.2, NM_001370261.2, NM_130799.3); c.1285G>C, p.Ala429Pro (NM_001370262.2, NM_001370263.2); short protein forms A429P, A464P, A469P, A506P.
Identifiers: ClinVar variation 1460767 (VCV001460767.9), dbSNP rs2136092866, ClinGen allele CA381179715.
Genomic context (GRCh38, chr11:64,804,777, plus strand): 5'-GTGGGCCCCGCCGCCGGCCTTCCCGGGCTTCCTCGCCCCACGGCTCCTCGGCCTCGGCCG[C>G]CTCGGCCTCTCGGCTCACTATGCGCACCTTCTGCCGCACCTGGGCCAGTGGGGAGAGCAA-3'
Protein context (NP_001357188.2, residues 454-474): KVRIVSREAE[Ala464Pro]AEAEEPWGEE

ClinVar aggregate classification (germline): Uncertain significance. Review status: criteria provided, multiple submitters, no conflicts (2 of 4 stars). 2 submissions from 2 submitters: Uncertain significance (2). Last evaluated 2024-01-08.

Conditions:
Hereditary cancer-predisposing syndrome. Also called: Neoplastic Syndromes, Hereditary; Hereditary Cancer Syndrome; Tumor predisposition; Hereditary neoplastic syndrome. Identifiers: Orphanet 140162, MedGen C0027672, MeSH D009386, MONDO:0015356.
Multiple endocrine neoplasia, type 1 (MEN1). Also called: MEN I; WERMER SYNDROME; Endocrine adenomatosis multiple; MEN 1; MEA I. Identifiers: Orphanet 652, MedGen C0025267, MeSH D018761, MONDO:0007540, OMIM 131100.

Submissions (2):

Ambry Genetics
Classification: Uncertain significance for Hereditary cancer-predisposing syndrome. Last evaluated: 2024-01-08. Review status: criteria provided, single submitter. Criteria: Ambry Variant Classification Scheme 2023. Collection method: clinical testing. Allele origin: germline.
Comment: The p.A464P variant (also known as c.1390G>C), located in coding exon 9 of the MEN1 gene, results from a G to C substitution at nucleotide position 1390. The alanine at codon 464 is replaced by proline, an amino acid with highly similar properties. This amino acid position is conserved. In addition, this alteration is predicted to be tolerated by in silico analysis. Since supporting evidence is limited at this time, the clinical significance of this alteration remains unclear.

Labcorp Genetics (formerly Invitae), Labcorp
Classification: Uncertain significance for Multiple endocrine neoplasia, type 1. Last evaluated: 2021-02-03. Review status: criteria provided, single submitter. Criteria: Invitae Variant Classification Sherloc (09022015). Collection method: clinical testing. Allele origin: germline.
Comment: This sequence change replaces alanine with proline at codon 464 of the MEN1 protein (p.Ala464Pro). The alanine residue is moderately conserved and there is a small physicochemical difference between alanine and proline. This variant is not present in population databases (ExAC no frequency). This variant has not been reported in the literature in individuals with MEN1-related conditions. Advanced modeling of protein sequence and biophysical properties (such as structural, functional, and spatial information, amino acid conservation, physicochemical variation, residue mobility, and thermodynamic stability) performed at Invitae indicates that this missense variant is not expected to disrupt MEN1 protein function. In summary, the available evidence is currently insufficient to determine the role of this variant in disease. Therefore, it has been classified as a Variant of Uncertain Significance.